The following continues an entry in ClinVar:

NM_152347.5(EFCAB13):c.806-1G>A

Gene: EFCAB13. ClinVar aggregate classification (germline): Benign.

Submissions 33 to 44 of 44:

Dr. Peter K. Rogan Lab, Western University
No classification provided (evidence only). Condition: Sarcoma. Review status: no classification provided. Collection method: in vitro. Allele origin: not applicable. Functional consequence: skipped exon. Not counted in ClinVar's aggregate classification.

Dr. Peter K. Rogan Lab, Western University
No classification provided (evidence only). Condition: Sarcoma. Review status: no classification provided. Collection method: in vitro. Allele origin: not applicable. Functional consequence: retained intron. Not counted in ClinVar's aggregate classification.

Dr. Peter K. Rogan Lab, Western University
No classification provided (evidence only). Condition: Sarcoma. Review status: no classification provided. Collection method: in vitro. Allele origin: not applicable. Functional consequence: skipped exon, retained intron. Not counted in ClinVar's aggregate classification.

Dr. Peter K. Rogan Lab, Western University
No classification provided (evidence only). Condition: Malignant lymphoma, large B-cell, diffuse. Review status: no classification provided. Collection method: in vitro. Allele origin: not applicable. Functional consequence: retained intron. Not counted in ClinVar's aggregate classification.

Dr. Peter K. Rogan Lab, Western University
No classification provided (evidence only). Condition: Nonpapillary renal cell carcinoma. Review status: no classification provided. Collection method: in vitro. Allele origin: not applicable. Functional consequence: skipped exon. Not counted in ClinVar's aggregate classification.

Dr. Peter K. Rogan Lab, Western University
No classification provided (evidence only). Condition: Thymoma. Review status: no classification provided. Collection method: in vitro. Allele origin: not applicable. Functional consequence: skipped exon, retained intron. Not counted in ClinVar's aggregate classification.

Dr. Peter K. Rogan Lab, Western University
No classification provided (evidence only). Condition: Thymoma. Review status: no classification provided. Collection method: in vitro. Allele origin: not applicable. Functional consequence: retained intron. Not counted in ClinVar's aggregate classification.

Dr. Peter K. Rogan Lab, Western University
No classification provided (evidence only). Condition: Thymoma. Review status: no classification provided. Collection method: in vitro. Allele origin: not applicable. Functional consequence: retained intron. Not counted in ClinVar's aggregate classification.

Dr. Peter K. Rogan Lab, Western University
No classification provided (evidence only). Condition: Ovarian serous cystadenocarcinoma. Review status: no classification provided. Collection method: in vitro. Allele origin: not applicable. Functional consequence: retained intron. Not counted in ClinVar's aggregate classification.

Dr. Peter K. Rogan Lab, Western University
No classification provided (evidence only). Condition: Ovarian serous cystadenocarcinoma. Review status: no classification provided. Collection method: in vitro. Allele origin: not applicable. Functional consequence: retained intron. Not counted in ClinVar's aggregate classification.

Dr. Peter K. Rogan Lab, Western University
No classification provided (evidence only). Condition: Ovarian serous cystadenocarcinoma. Review status: no classification provided. Collection method: in vitro. Allele origin: not applicable. Functional consequence: retained intron. Not counted in ClinVar's aggregate classification.

Dr. Peter K. Rogan Lab, Western University
No classification provided (evidence only). Condition: Hepatocellular carcinoma. Review status: no classification provided. Collection method: in vitro. Allele origin: not applicable. Functional consequence: skipped exon. Not counted in ClinVar's aggregate classification.